The following is an entry in ClinVar:

ClinVar aggregate classification (germline): Uncertain significance. Review status: criteria provided, multiple submitters, no conflicts (2 of 4 stars). 2 submissions from 2 submitters: Uncertain significance (2). Last evaluated 2023-12-11.

Conditions:
Inborn genetic diseases. Identifiers: MedGen C0950123, MeSH D030342.
Progressive myoclonic epilepsy type 7. Identifiers: Orphanet 435438, MedGen C4015420, MONDO:0014521, OMIM 616187.

Allele frequency attached by ClinVar (database versions not stated): gnomAD exomes 0.00001; TOPMed 0.00003.
gnomAD v4.1: 35 of 1,551,444 alleles (0.0023%); highest among the groups gnomAD compares: African/African-American, 0.0027%; no homozygotes.

Submissions (2):

Ambry Genetics
Classification: Uncertain significance for Inborn genetic diseases. Last evaluated: 2023-12-11. Review status: criteria provided, single submitter. Criteria: Ambry Variant Classification Scheme 2023. Collection method: clinical testing. Allele origin: germline.

Labcorp Genetics (formerly Invitae), Labcorp
Classification: Uncertain significance for Progressive myoclonic epilepsy type 7. Last evaluated: 2022-03-19. Review status: criteria provided, single submitter. Criteria: Invitae Variant Classification Sherloc (09022015). Collection method: clinical testing. Allele origin: germline.
Comment: ClinVar contains an entry for this variant (Variation ID: 1041222). In summary, the available evidence is currently insufficient to determine the role of this variant in disease. Therefore, it has been classified as a Variant of Uncertain Significance. Advanced modeling of protein sequence and biophysical properties (such as structural, functional, and spatial information, amino acid conservation, physicochemical variation, residue mobility, and thermodynamic stability) performed at Invitae indicates that this missense variant is expected to disrupt KCNC1 protein function. This variant has not been reported in the literature in individuals affected with KCNC1-related conditions. This variant is present in population databases (no rsID available, gnomAD 0.007%). This sequence change replaces glutamic acid, which is acidic and polar, with lysine, which is basic and polar, at codon 541 of the KCNC1 protein (p.Glu541Lys).

NM_001112741.2(KCNC1):c.1621G>A (p.Glu541Lys)

Gene: KCNC1 (potassium voltage-gated channel subfamily C member 1; plus strand). Cytogenetic location: 11p15.1.
Variant type: single nucleotide variant.
Coding change: c.1621G>A on transcript NM_001112741.2 (MANE Select); coding-DNA position 1621, G replaced by A.
Protein change: p.Glu541Lys; replaces glutamic acid 541 with lysine.
Molecular consequence: missense variant.
Genome position (GRCh38, 1-based): chr11:17,779,572, G>A. VCF-style: chr11-17779572-G-A. GRCh37 (hg19) VCF-style: chr11-17801119-G-A.
Other names: c.1621G>A (NM_001112741.1); short protein forms E541K.
Identifiers: ClinVar variation 1041222 (VCV001041222.10), dbSNP rs896883949, ClinGen allele CA218475332.